The following is an entry in ClinVar:

NM_000051.4(ATM):c.739T>A (p.Phe247Ile)

Gene: ATM (ATM serine/threonine kinase; plus strand). Cytogenetic location: 11q22.3.
Variant type: single nucleotide variant.
Coding change: c.739T>A on transcript NM_000051.4 (MANE Select); coding-DNA position 739, T replaced by A.
Protein change: p.Phe247Ile; replaces phenylalanine 247 with isoleucine.
Molecular consequence: missense variant.
Genome position (GRCh38, 1-based): chr11:108,244,864, T>A. VCF-style: chr11-108244864-T-A. GRCh37 (hg19) VCF-style: chr11-108115591-T-A.
Other names: c.739T>A, p.Phe247Ile (NM_001351834.2); short protein forms F247I.
Identifiers: ClinVar variation 1414873 (VCV001414873.6), dbSNP rs2135239339, ClinGen allele CA382529250.

ClinVar aggregate classification (germline): Uncertain significance (1 of 4 stars; one submission).

Conditions:
Ataxia-telangiectasia syndrome (AT). Also called: LOUIS-BAR SYNDROME; Cerebello-oculocutaneous telangiectasia; Immunodeficiency with ataxia telangiectasia; ATAXIA-TELANGIECTASIA, COMPLEMENTATION GROUP A; ATAXIA-TELANGIECTASIA, FRESNO VARIANT; Ataxia-telangiectasia, complementation group D. Identifiers: Orphanet 100, MedGen C0004135, MONDO:0008840, OMIM 208900.

Submission:

Labcorp Genetics (formerly Invitae), Labcorp
Classification: Uncertain significance for Ataxia-telangiectasia syndrome. Last evaluated: 2025-03-27. Review status: criteria provided, single submitter. Criteria: Invitae Variant Classification Sherloc (09022015). Collection method: clinical testing. Allele origin: germline.
Comment: This sequence change replaces phenylalanine, which is neutral and non-polar, with isoleucine, which is neutral and non-polar, at codon 247 of the ATM protein (p.Phe247Ile). This variant is not present in population databases (gnomAD no frequency). This variant has not been reported in the literature in individuals affected with ATM-related conditions. ClinVar contains an entry for this variant (Variation ID: 1414873). Invitae Evidence Modeling of protein sequence and biophysical properties (such as structural, functional, and spatial information, amino acid conservation, physicochemical variation, residue mobility, and thermodynamic stability) indicates that this missense variant is not expected to disrupt ATM protein function with a negative predictive value of 95%. In summary, the available evidence is currently insufficient to determine the role of this variant in disease. Therefore, it has been classified as a Variant of Uncertain Significance.